The following is an entry in ClinVar:

ClinVar aggregate classification (germline): Uncertain significance (1 of 4 stars; one submission).

Conditions:
Familial thoracic aortic aneurysm and aortic dissection (TAAD). Also called: Thoracic aortic aneurysms and dissections. Identifiers: Orphanet 91387, MedGen C4707243, MONDO:0019625.

Submission:

Labcorp Genetics (formerly Invitae), Labcorp
Classification: Uncertain significance for Familial thoracic aortic aneurysm and aortic dissection. Last evaluated: 2025-07-13. Review status: criteria provided, single submitter. Criteria: Invitae Variant Classification Sherloc (09022015). Collection method: clinical testing. Allele origin: germline.
Comment: This sequence change replaces glutamic acid, which is acidic and polar, with valine, which is neutral and non-polar, at codon 439 of the TGFBR1 protein (p.Glu439Val). This variant is not present in population databases (gnomAD no frequency). This variant has not been reported in the literature in individuals affected with TGFBR1-related conditions. Invitae Evidence Modeling of protein sequence and biophysical properties (such as structural, functional, and spatial information, amino acid conservation, physicochemical variation, residue mobility, and thermodynamic stability) indicates that this missense variant is expected to disrupt TGFBR1 protein function with a positive predictive value of 80%. In summary, the available evidence is currently insufficient to determine the role of this variant in disease. Therefore, it has been classified as a Variant of Uncertain Significance.

NM_004612.4(TGFBR1):c.1316A>T (p.Glu439Val)

Gene: TGFBR1 (transforming growth factor beta receptor 1; plus strand). Cytogenetic location: 9q22.33.
Variant type: single nucleotide variant.
Coding change: c.1316A>T on transcript NM_004612.4 (MANE Select); coding-DNA position 1316, A replaced by T.
Protein change: p.Glu439Val; replaces glutamic acid 439 with valine.
Molecular consequence: missense variant. On other transcripts: non-coding transcript variant (4).
Genome position (GRCh38, 1-based): chr9:99,147,714, A>T. VCF-style: chr9-99147714-A-T. GRCh37 (hg19) VCF-style: chr9-101909996-A-T.
Other names: c.1085A>T, p.Glu362Val (NM_001130916.3, NM_001407435.1); c.1328A>T, p.Glu443Val (NM_001306210.2); c.1160A>T, p.Glu387Val (NM_001407416.1); c.1148A>T, p.Glu383Val (NM_001407417.1); c.1121A>T, p.Glu374Val (NM_001407418.1, NM_001407419.1, NM_001407420.1 and 1 more transcripts); c.1109A>T, p.Glu370Val (NM_001407423.1, NM_001407424.1, NM_001407425.1 and 8 more transcripts); c.1070A>T, p.Glu357Val (NM_001407436.1); c.608A>T, p.Glu203Val (NM_001407437.1); and 1 more; short protein forms E203V, E280V, E383V, E387V, E439V, E357V, E362V, E374V.
Identifiers: ClinVar variation 4741480 (VCV004741480.1).